The following is an entry in ClinVar:

ClinVar aggregate classification (germline): Uncertain significance (1 of 4 stars; one submission).

gnomAD v4.1: 10 of 1,610,026 alleles (0.00062%); highest among the groups gnomAD compares: African/African-American, 0.013%; no homozygotes.

Submission:

Labcorp Genetics (formerly Invitae), Labcorp
Classification: Uncertain significance. Last evaluated: 2025-06-23. Review status: criteria provided, single submitter. Criteria: Invitae Variant Classification Sherloc (09022015). Collection method: clinical testing. Allele origin: germline.
Comment: This sequence change replaces alanine, which is neutral and non-polar, with threonine, which is neutral and polar, at codon 333 of the NUP133 protein (p.Ala333Thr). This variant is present in population databases (no rsID available, gnomAD 0.007%). This variant has not been reported in the literature in individuals affected with NUP133-related conditions. An algorithm developed to predict the effect of missense changes on protein structure and function (PolyPhen-2) suggests that this variant is likely to be tolerated. In summary, the available evidence is currently insufficient to determine the role of this variant in disease. Therefore, it has been classified as a Variant of Uncertain Significance.

NM_018230.3(NUP133):c.997G>A (p.Ala333Thr)

Gene: NUP133 (nucleoporin 133; minus strand). Cytogenetic location: 1q42.13.
Variant type: single nucleotide variant.
Coding change: c.997G>A on transcript NM_018230.3 (MANE Select); coding-DNA position 997, G replaced by A.
Protein change: p.Ala333Thr; replaces alanine 333 with threonine.
Molecular consequence: missense variant.
Genome position (GRCh38, 1-based): chr1:229,495,544, C>T on the plus strand (G>A on the coding strand, the complement: NUP133 is on the minus strand). VCF-style: chr1-229495544-C-T. GRCh37 (hg19) VCF-style: chr1-229631291-C-T.
Other names: short protein forms A333T.
Identifiers: ClinVar variation 4805310 (VCV004805310.1).